The following is an entry in ClinVar:

ClinVar aggregate classification (germline): Uncertain significance (1 of 4 stars; one submission).

Conditions:
Hypoplastic left heart syndrome. Also called: Hypoplastic left heart; Hypoplastic left ventricle. Identifiers: Orphanet 2248, MedGen C0152101, MONDO:0004933, HP:0004383.

Allele frequency attached by ClinVar (database versions not stated): TOPMed below 0.00001; gnomAD 0.00001; gnomAD exomes 0.00001.

Submission:

Labcorp Genetics (formerly Invitae), Labcorp
Classification: Uncertain significance for Hypoplastic left heart syndrome. Last evaluated: 2025-12-09. Review status: criteria provided, single submitter. Criteria: Invitae Variant Classification Sherloc (09022015). Collection method: clinical testing. Allele origin: germline.
Comment: This sequence change replaces serine, which is neutral and polar, with asparagine, which is neutral and polar, at codon 141 of the HAND1 protein (p.Ser141Asn). This variant is present in population databases (no rsID available, gnomAD 0.0009%). This variant has not been reported in the literature in individuals affected with HAND1-related conditions. ClinVar contains an entry for this variant (Variation ID: 1954447). An algorithm developed to predict the effect of missense changes on protein structure and function (PolyPhen-2) suggests that this variant is likely to be disruptive. In summary, the available evidence is currently insufficient to determine the role of this variant in disease. Therefore, it has been classified as a Variant of Uncertain Significance.

NM_004821.3(HAND1):c.422G>A (p.Ser141Asn)

Gene: HAND1 (heart and neural crest derivatives expressed 1; minus strand). Cytogenetic location: 5q33.2.
Variant type: single nucleotide variant.
Coding change: c.422G>A on transcript NM_004821.3 (MANE Select); coding-DNA position 422, G replaced by A.
Protein change: p.Ser141Asn; replaces serine 141 with asparagine.
Molecular consequence: missense variant.
Genome position (GRCh38, 1-based): chr5:154,477,587, C>T on the plus strand (G>A on the coding strand, the complement: HAND1 is on the minus strand). VCF-style: chr5-154477587-C-T. GRCh37 (hg19) VCF-style: chr5-153857147-C-T.
Other names: short protein forms S141N.
Identifiers: ClinVar variation 1954447 (VCV001954447.5), dbSNP rs1303293556, ClinGen allele CA361922163.